The following is an entry in ClinVar:

NM_018713.3(SLC30A10):c.1372T>A (p.Ser458Thr)

Gene: SLC30A10 (solute carrier family 30 member 10; minus strand). Cytogenetic location: 1q41.
Variant type: single nucleotide variant.
Coding change: c.1372T>A on transcript NM_018713.3 (MANE Select); coding-DNA position 1372, T replaced by A.
Protein change: p.Ser458Thr; replaces serine 458 with threonine.
Molecular consequence: missense variant. On other transcripts: non-coding transcript variant (2).
Genome position (GRCh38, 1-based): chr1:219,915,535, A>T on the plus strand (T>A on the coding strand, the complement: SLC30A10 is on the minus strand). VCF-style: chr1-219915535-A-T. GRCh37 (hg19) VCF-style: chr1-220088877-A-T.
Other names: c.1183T>A, p.Ser395Thr (NM_001376929.1); c.697T>A, p.Ser233Thr (NM_001416004.1, NM_001416005.1); short protein forms S458T, S233T, S395T.
Identifiers: ClinVar variation 1899140 (VCV001899140.5), dbSNP rs1422455305, ClinGen allele CA344731409.

ClinVar aggregate classification (germline): Uncertain significance (1 of 4 stars; one submission).

Allele frequency attached by ClinVar (database versions not stated): gnomAD 0.00001; TOPMed 0.00001.
gnomAD v4.1: 2 of 1,614,060 alleles (0.00012%); highest among the groups gnomAD compares: African/African-American, 0.0027%; no homozygotes.

Submission:

Labcorp Genetics (formerly Invitae), Labcorp
Classification: Uncertain significance. Last evaluated: 2022-03-11. Review status: criteria provided, single submitter. Criteria: Invitae Variant Classification Sherloc (09022015). Collection method: clinical testing. Allele origin: germline.
Comment: This variant is present in population databases (no rsID available, gnomAD 0.01%). This variant has not been reported in the literature in individuals affected with SLC30A10-related conditions. Algorithms developed to predict the effect of missense changes on protein structure and function (SIFT, PolyPhen-2, Align-GVGD) all suggest that this variant is likely to be tolerated. In summary, the available evidence is currently insufficient to determine the role of this variant in disease. Therefore, it has been classified as a Variant of Uncertain Significance. This sequence change replaces serine, which is neutral and polar, with threonine, which is neutral and polar, at codon 458 of the SLC30A10 protein (p.Ser458Thr).